The following is an entry in ClinVar:

NM_020166.5(MCCC1):c.359C>T (p.Ser120Phe)

Gene: MCCC1 (methylcrotonyl-CoA carboxylase subunit 1; minus strand). Cytogenetic location: 3q27.1.
Variant type: single nucleotide variant.
Coding change: c.359C>T on transcript NM_020166.5 (MANE Select); coding-DNA position 359, C replaced by T.
Protein change: p.Ser120Phe; replaces serine 120 with phenylalanine.
Molecular consequence: missense variant. On other transcripts: synonymous variant (1), non-coding transcript variant (1).
Genome position (GRCh38, 1-based): chr3:183,086,703, G>A on the plus strand (C>T on the coding strand, the complement: MCCC1 is on the minus strand). VCF-style: chr3-183086703-G-A. GRCh37 (hg19) VCF-style: chr3-182804491-G-A.
Other names: c.130C>T, p.Leu44= (NM_001293273.2); c.32C>T, p.Ser11Phe (NM_001363880.1); short protein forms S120F, S11F.
Identifiers: ClinVar variation 432047 (VCV000432047.7), dbSNP rs1307589698, ClinGen allele CA355319186.

ClinVar aggregate classification (germline): Conflicting classifications of pathogenicity. Review status: criteria provided, conflicting classifications (1 of 4 stars). 3 submissions from 3 submitters: Likely pathogenic (1); Uncertain significance (2). Last evaluated 2022-06-13.

Conditions:
3-methylcrotonyl-CoA carboxylase 1 deficiency (MCC1D). Also called: MCCD TYPE 1; METHYLCROTONYLGLYCINURIA TYPE I; MCC 1 deficiency; 3 Alpha methylcrotonylglycinuria 1. Identifiers: Orphanet 6, MedGen CN028786, MONDO:0008861, OMIM 210200.

Submissions (3):

Labcorp Genetics (formerly Invitae), Labcorp
Classification: Uncertain significance for 3-methylcrotonyl-CoA carboxylase 1 deficiency. Last evaluated: 2022-06-13. Review status: criteria provided, single submitter. Criteria: Invitae Variant Classification Sherloc (09022015). Collection method: clinical testing. Allele origin: germline.
Comment: This sequence change replaces serine, which is neutral and polar, with phenylalanine, which is neutral and non-polar, at codon 120 of the MCCC1 protein (p.Ser120Phe). This variant is not present in population databases (gnomAD no frequency). This missense change has been observed in individual(s) with clinical features of 3 methylcrotonyl-CoA carboxylase deficiency (PMID: 27601257; Invitae). ClinVar contains an entry for this variant (Variation ID: 432047). Advanced modeling of protein sequence and biophysical properties (such as structural, functional, and spatial information, amino acid conservation, physicochemical variation, residue mobility, and thermodynamic stability) performed at Invitae indicates that this missense variant is expected to disrupt MCCC1 protein function. In summary, the available evidence is currently insufficient to determine the role of this variant in disease. Therefore, it has been classified as a Variant of Uncertain Significance.

Blueprint Genetics
Classification: Uncertain significance. Last evaluated: 2018-07-09. Review status: criteria provided, single submitter. Criteria: ACMG Guidelines, 2015. Collection method: clinical testing. Allele origin: germline.

GeneDx
Classification: Likely pathogenic. Last evaluated: 2015-12-18. Review status: criteria provided, single submitter. Criteria: GeneDx Variant Classification (06012015). Collection method: clinical testing. Allele origin: germline. Affected: yes.
Comment: The S120F variant that is likely pathogenic was identified in the MCCC1 gene. It has not been published as a pathogenic variant, nor has it been reported as a benign variant to our knowledge. The S120F variant was not observed in approximately 6500 individuals of European and African American ancestry in the NHLBI Exome Sequencing Project, indicating it is not a common benign variant in these populations. The S120F variant is a non-conservative amino acid substitution, which is likely to impact secondary protein structure as these residues differ in polarity, charge, size and/or other properties. This substitution occurs within the biotin carboxylation domain of the MCCC1 protein. In silico analysis predicts this variant is probably damaging to the protein structure/function. Therefore, this variant is likely pathogenic; however, the possibility that it is benign cannot be excluded.

Literature cited by the submitters: PubMed 27601257 (cited by Labcorp Genetics (formerly Invitae), Labcorp).